The following is an entry in ClinVar:

ClinVar aggregate classification (germline): Uncertain significance. Review status: criteria provided, multiple submitters, no conflicts (2 of 4 stars). 4 submissions from 4 submitters: Uncertain significance (4). Last evaluated 2025-06-09.

Conditions:
Hereditary cancer-predisposing syndrome. Also called: Neoplastic Syndromes, Hereditary; Hereditary neoplastic syndrome; Tumor predisposition; Hereditary Cancer Syndrome. Identifiers: Orphanet 140162, MedGen C0027672, MeSH D009386, MONDO:0015356.
POLD1-related polyposis and colorectal cancer syndrome (CRCS10). Also called: Colorectal cancer 10; COLORECTAL CANCER, SUSCEPTIBILITY TO, ON CHROMOSOME 19q; Colorectal cancer, susceptibility to, 10. Identifiers: Orphanet 220460, MedGen C2675481, MONDO:0012953, OMIM 612591.

Allele frequency attached by ClinVar (database versions not stated): gnomAD exomes 0.00001; ExAC 0.00002.
gnomAD v4.1: 8 of 1,613,392 alleles (0.0005%); highest among the groups gnomAD compares: Non-Finnish European, 0.00068%; no homozygotes.

Submissions (4):

Labcorp Genetics (formerly Invitae), Labcorp
Classification: Uncertain significance for POLD1-related polyposis and colorectal cancer syndrome. Last evaluated: 2025-06-09. Review status: criteria provided, single submitter. Criteria: Invitae Variant Classification Sherloc (09022015). Collection method: clinical testing. Allele origin: germline.
Comment: This sequence change replaces arginine, which is basic and polar, with tryptophan, which is neutral and slightly polar, at codon 689 of the POLD1 protein (p.Arg689Trp). This variant is present in population databases (rs747628342, gnomAD 0.002%). This missense change has been observed in individual(s) with lung cancer (PMID: 28125075). ClinVar contains an entry for this variant (Variation ID: 439255). Invitae Evidence Modeling of protein sequence and biophysical properties (such as structural, functional, and spatial information, amino acid conservation, physicochemical variation, residue mobility, and thermodynamic stability) indicates that this missense variant is expected to disrupt POLD1 protein function with a positive predictive value of 80%. Experimental studies have shown that this missense change affects POLD1 function (PMID: 19966286). In summary, the available evidence is currently insufficient to determine the role of this variant in disease. Therefore, it has been classified as a Variant of Uncertain Significance.

Ambry Genetics
Classification: Uncertain significance for Hereditary cancer-predisposing syndrome. Last evaluated: 2024-11-08. Review status: criteria provided, single submitter. Criteria: Ambry Variant Classification Scheme 2023. Collection method: clinical testing. Allele origin: germline.
Comment: The p.R689W variant (also known as c.2065C>T), located in coding exon 16 of the POLD1 gene, results from a C to T substitution at nucleotide position 2065. The arginine at codon 689 is replaced by tryptophan, an amino acid with dissimilar properties. This amino acid position is highly conserved in available vertebrate species. In addition, the in silico prediction for this alteration is inconclusive. Based on the available evidence, the clinical significance of this variant remains unclear.

GeneDx
Classification: Uncertain significance. Last evaluated: 2023-10-04. Review status: criteria provided, single submitter. Criteria: GeneDx Variant Classification Process June 2021. Collection method: clinical testing. Allele origin: germline. Affected: yes.
Comment: Not observed at significant frequency in large population cohorts (gnomAD); In silico analysis supports that this missense variant has a deleterious effect on protein structure/function; Published functional studies demonstrate reduced cell viability, increased mutation frequency, and reduced DNA polymerase activity in yeast (Flohr et al., 1999; Daee et al., 2010; Mertz et al., 2017); This variant is associated with the following publications: (PMID: 19718023, 20951805, 28368425, 10074927, 14767555, 25827231, 33144657, 28125075, 25202305, 27161865, 24861832, 27320729, 23065663, 19966286, 21258395, 23283971)

Quest Diagnostics Nichols Institute San Juan Capistrano
Classification: Uncertain significance. Last evaluated: 2017-06-16. Review status: criteria provided, single submitter. Criteria: Quest Diagnostics criteria. Collection method: clinical testing. Allele origin: germline.

Literature cited by the submitters: PubMed 28125075 (cited by Labcorp Genetics (formerly Invitae), Labcorp); PubMed 19966286 (cited by Labcorp Genetics (formerly Invitae), Labcorp and Quest Diagnostics Nichols Institute San Juan Capistrano); PubMed 25827231 (cited by Quest Diagnostics Nichols Institute San Juan Capistrano); PubMed 28368425 (cited by Quest Diagnostics Nichols Institute San Juan Capistrano); PubMed 27320729 (cited by Quest Diagnostics Nichols Institute San Juan Capistrano); PubMed 21258395 (cited by Quest Diagnostics Nichols Institute San Juan Capistrano); PubMed 20951805 (cited by Quest Diagnostics Nichols Institute San Juan Capistrano); PubMed 23283971 (cited by Quest Diagnostics Nichols Institute San Juan Capistrano); PubMed 25202305 (cited by Quest Diagnostics Nichols Institute San Juan Capistrano); PubMed 27161865 (cited by Quest Diagnostics Nichols Institute San Juan Capistrano); PubMed 23065663 (cited by Quest Diagnostics Nichols Institute San Juan Capistrano); PubMed 24861832 (cited by Quest Diagnostics Nichols Institute San Juan Capistrano); PubMed 14767555 (cited by Quest Diagnostics Nichols Institute San Juan Capistrano); PubMed 19718023 (cited by Quest Diagnostics Nichols Institute San Juan Capistrano); PubMed 10074927 (cited by Quest Diagnostics Nichols Institute San Juan Capistrano).

NM_002691.4(POLD1):c.2065C>T (p.Arg689Trp)

Gene: POLD1 (DNA polymerase delta 1, catalytic subunit; plus strand). Cytogenetic location: 19q13.33.
Variant type: single nucleotide variant.
Coding change: c.2065C>T on transcript NM_002691.4 (MANE Select); coding-DNA position 2065, C replaced by T.
Protein change: p.Arg689Trp; replaces arginine 689 with tryptophan.
Molecular consequence: missense variant. On other transcripts: non-coding transcript variant (1).
Genome position (GRCh38, 1-based): chr19:50,409,577, C>T. VCF-style: chr19-50409577-C-T. GRCh37 (hg19) VCF-style: chr19-50912834-C-T.
Other names: c.2065C>T, p.Arg689Trp (NM_001256849.1); c.2143C>T, p.Arg715Trp (NM_001308632.1); c.2065C>T (NM_002691.2); short protein forms R689W, R715W.
Identifiers: ClinVar variation 439255 (VCV000439255.12), dbSNP rs747628342, ClinGen allele CA9596381.